The following is an entry in ClinVar:

ClinVar aggregate classification (germline): Likely benign (0 of 4 stars; one submission).

Conditions:
CREBBP-related disorder. Also called: CREBBP-related condition; CREBBP-related disorders.

Submission:

PreventionGenetics, part of Exact Sciences
Classification: Likely benign for CREBBP-related condition. Last evaluated: 2022-04-14. Review status: no assertion criteria provided. Collection method: clinical testing. Allele origin: germline.
Comment: This variant is classified as likely benign based on ACMG/AMP sequence variant interpretation guidelines (Richards et al. 2015 PMID: 25741868, with internal and published modifications).

NM_004380.3(CREBBP):c.2916C>G (p.Val972=)

Gene: CREBBP (CREB binding lysine acetyltransferase; minus strand). Cytogenetic location: 16p13.3.
Variant type: single nucleotide variant.
Coding change: c.2916C>G on transcript NM_004380.3 (MANE Select); coding-DNA position 2916, C replaced by G.
Protein change: p.Val972=; no amino-acid change (valine 972 retained).
Molecular consequence: synonymous variant.
Genome position (GRCh38, 1-based): chr16:3,769,318, G>C on the plus strand (C>G on the coding strand, the complement: CREBBP is on the minus strand). VCF-style: chr16-3769318-G-C. GRCh37 (hg19) VCF-style: chr16-3819319-G-C.
Other names: c.2802C>G, p.Val934= (NM_001079846.1).
Identifiers: ClinVar variation 3354155 (VCV003354155.1).